The following is an entry in ClinVar:

ClinVar aggregate classification (germline): Pathogenic. Review status: reviewed by expert panel (3 of 4 stars). 20 submissions from 20 submitters: Pathogenic (1). 19 of the submissions do not count toward it. Last evaluated 2024-06-25.

Conditions:
Von Hippel-Lindau syndrome (VHLS). Also called: VHL syndrome; Von Hippel-Lindau; von Hippel–Lindau syndrome. Identifiers: Orphanet 892, MedGen C0019562, MONDO:0008667, OMIM 193300. Disease mechanism: loss of function.
Chuvash polycythemia. Also called: POLYCYTHEMIA, VHL-DEPENDENT. Identifiers: Orphanet 238557, MedGen C1837915, MONDO:0009892, OMIM 263400.
Hereditary cancer-predisposing syndrome. Also called: Neoplastic Syndromes, Hereditary; Tumor predisposition; Hereditary Cancer Syndrome; Hereditary neoplastic syndrome. Identifiers: Orphanet 140162, MedGen C0027672, MeSH D009386, MONDO:0015356.
Pheochromocytoma. Also called: MAX-Related Hereditary Paraganglioma-Pheochromocytoma Syndrome. Identifiers: Orphanet 29072, MedGen C0031511, MONDO:0008233, OMIM 171300, HP:0002666.

Allele frequency attached by ClinVar (database versions not stated): gnomAD exomes below 0.00001.

Submissions 1 to 4 of 20:

ClinGen VHL Variant Curation Expert Panel, ClinGen
Classification: Pathogenic for Von Hippel-Lindau syndrome. Last evaluated: 2024-06-25. Review status: reviewed by expert panel. Criteria: ClinGen VHL VCEP ACMG Specifications VHL V1. Collection method: curation. Allele origin: germline. Inheritance: Autosomal dominant inheritance.
Comment: The NM_000551.4(VHL):c.500G>A (p.Arg167Gln) variant in VHL is a missense variant predicted to cause substitution of arginine by glutamine at amino acid 167. This missense mutation has been identified in at least 19 unrelated individuals with von Hippel-Lindau disease. Mostly VHL Type 2 or 2B phenotypes are noted. However, some publications describe VHL Type 1 as well. PMIDs used: 20846682, 8707293, 9829912, 9829911, 7728151, 12114495, 12624160, 14722919. CIViC EIDs used: 5485, 5354, 5264, 5062, 4913, 5487, 5546, 6118. 2 participating commercial laboratories reported >7 and >20 cases. The number of proband and/or family cases fulfills the criteria for strong evidence (PS4). Multiple publications (PMID: 15574766, PMID: 19030229) support disruption of Elongin C binding with the Arg167Gln variant, as well as altered regulation of HIF2a and near wild type regulation via ubiquitination of HIF1a (PS3_Supporting). PMID: 30731206, CIViC evidence ID: EID7714. This variant is absent from gnomAD v4.1.0 (PM2_Supporting). Arg167 is one of the germline hotspots outlined by the VHL VCEP, and it is in the Elongin binding domain (PM1). The computational predictor REVEL gives a score of 0.874, which is above the threshold of >=0.664, evidence that correlates with impact to VHL function (PP3). Per VHL VCEP specifications, this code is applied when the REVEL score is >=0.6. (PP3). In summary, this variant meets the criteria to be classified as Pathogenic for autosomal-dominant von Hippel-Lindau disease (VHL disease) based on the ACMG/AMP criteria applied, as specified by the ClinGen VHL VCEP Version 1.0 (Specifications approval date: 02/26/2024. Variant Approval Date 06/25/2024).

Labcorp Genetics (formerly Invitae), Labcorp
Classification: Pathogenic for Von Hippel-Lindau syndrome; Chuvash polycythemia. Last evaluated: 2026-01-18. Review status: criteria provided, single submitter. Criteria: Invitae Variant Classification Sherloc (09022015). Collection method: clinical testing. Allele origin: germline. Not counted in ClinVar's aggregate classification.
Comment: This sequence change replaces arginine, which is basic and polar, with glutamine, which is neutral and polar, at codon 167 of the VHL protein (p.Arg167Gln). This variant is present in population databases (rs5030821, gnomAD 0.0009%). This missense change has been observed in individual(s) with pheochromocytoma, hemangioblastoma of the central nervous system and spinal cord, renal cell carcinoma, and pancreatic cyst (PMID: 7987306, 8956040, 10567493, 12000816, 15300849, 19464396). It has also been observed to segregate with disease in related individuals. This variant is also known as p.Arg238Gln. ClinVar contains an entry for this variant (Variation ID: 2216). Invitae Evidence Modeling of protein sequence and biophysical properties (such as structural, functional, and spatial information, amino acid conservation, physicochemical variation, residue mobility, and thermodynamic stability) indicates that this missense variant is expected to disrupt VHL protein function with a positive predictive value of 95%. Experimental studies have shown that this missense change affects VHL function (PMID: 15574766, 19030229, 19252526, 19602254). This variant disrupts the p.Arg167 amino acid residue in VHL. Other variant(s) that disrupt this residue have been determined to be pathogenic (PMID: 7987306, 8730290). This suggests that this residue is clinically significant, and that variants that disrupt this residue are likely to be disease-causing. For these reasons, this variant has been classified as Pathogenic.

Myriad Genetics, Inc.
Classification: Pathogenic for Von Hippel-Lindau syndrome. Last evaluated: 2025-09-16. Review status: criteria provided, single submitter. Criteria: Myriad Autosomal Dominant, Autosomal Recessive and X-Linked Classification Criteria (2023). Collection method: clinical testing. Allele origin: unknown. Not counted in ClinVar's aggregate classification.
Comment: This variant is considered pathogenic. Functional studies indicate this variant impacts protein function [PMID: 38969834]. This variant is expected to disrupt protein structure [Myriad internal data]. This variant has been reported in multiple individuals with clinical features of gene-specific disease [PMID: 17024664, 7728151, 34416425, 36625343, 10761708, 39055909].

ARUP Laboratories, Molecular Genetics and Genomics, ARUP Laboratories
Classification: Pathogenic. Last evaluated: 2024-11-18. Review status: criteria provided, single submitter. Criteria: ARUP Molecular Germline Variant Investigation Process 2024. Collection method: clinical testing. Allele origin: germline. Not counted in ClinVar's aggregate classification.
Comment: The VHL c.500G>A; p.Arg167Gln variant (rs5030821, ClinVar variation ID: 2216), also reported as p.Arg238Gln, is one of the most common pathogenic variants in hereditary von Hippel Lindau (VHL) disease (Ding 2014) and has been reported in numerous individuals and families with diagnoses or clinical suspicion of VHL disease (Chen 1995, Couve 2014, Crossey 1994, Lee 2016, Park 2015, Sriphrapradang 2017, Tomita 2001). In several families, this variant has been observed to cosegregate with disease (Couve 2014, Lee 2016, Tomita 2001). In cultured cells, the p.Arg167Gln variant exhibits diminished interaction with binding partners (Hacker 2008, Rathmell 2004), while a p.Arg167Gln mouse model develops renal neoplasias similar to human VHL patients (Lee 2009). This variant is only observed on one allele in the Genome Aggregation Database, indicating it is not a common polymorphism (v2.1.1). Computational analyses predict that this variant is deleterious (REVEL: 0.874). Additionally, another variant at this codon (p.Arg167Trp) has been reported in numerous individuals with VHL disease and is considered pathogenic (Chen 1995, Crossey 1994, Lee 2016). Based on available information, the p.Arg167Gln variant is considered to be pathogenic. References: Chen F et al. Germline mutations in the von Hippel-Lindau disease tumor suppressor gene: correlations with phenotype. Hum Mutat. 1995;5(1):66-75. PMID: 7728151. Couve S et al. Genetic evidence of a precisely tuned dysregulation in the hypoxia signaling pathway during oncogenesis. Cancer Res. 2014 Nov 15;74(22):6554-64. PMID: 25371412. Crossey PA et al. Identification of intragenic mutations in the von Hippel-Lindau disease tumour suppressor gene and correlation with disease phenotype. Hum Mol Genet. 1994 Aug;3(8):1303-8. PMID: 7987306. Ding Z et al. Genetic and pharmacological strategies to refunctionalize the von Hippel Lindau R167Q mutant protein. Cancer Res. 2014 Jun 1;74(11):3127-36. PMID: 24755468. Hacker KE et al. VHL type 2B mutations retain VBC complex form and function. PLoS One. 2008;3(11):e3801. PMID: 19030229. Lee CM et al. VHL Type 2B gene mutation moderates HIF dosage in vitro and in vivo. Oncogene. 2009 Apr 9;28(14):1694-705. PMID: 19252526. Lee JS et al. Genotype-phenotype analysis of von Hippel-Lindau syndrome in Korean families: HIF-a binding site missense mutations elevate age-specific risk for CNS hemangioblastoma. BMC Med Genet. 2016 Jul 20;17(1):48. PMID: 27439424. Park TY et al. Clinical features of pancreatic involvement in von Hippel-Lindau disease: a retrospective study of 55 cases in a single center. Scand J Gastroenterol. 2015 Mar;50(3):360-7. PMID: 25562111. Rathmell WK et al. In vitro and in vivo models analyzing von Hippel-Lindau disease-specific mutations. Cancer Res. 2004 Dec 1;64(23):8595-603. PMID: 15574766. Sriphrapradang C et al. Genotype-Phenotype Correlation in Patients With Germline Mutations of VHL, RET, SDHB, and SDHD Genes: Thai Experience. Clin Med Insights Endocrinol Diabetes. 2017 Apr 20;10:1179551417705122. PMID: 28469506. Tomita N et al. A family with von Hippel-Lindau disease revealed by pheochromocytoma. Hypertens Res. 2001 Jul;24(4):445-50. PMID: 11510758.

NM_000551.4(VHL):c.500G>A (p.Arg167Gln)

Genes: VHL (von Hippel-Lindau tumor suppressor; plus strand), LOC107303340 (3p25 von Hippel-Lindau tumor suppressor, E3 ubiquitin protein ligase Alu-mediated recombination region; plus strand). Cytogenetic location: 3p25.3.
Variant type: single nucleotide variant.
Coding change: c.500G>A on transcript NM_000551.4 (MANE Select); coding-DNA position 500, G replaced by A.
Protein change: p.Arg167Gln; replaces arginine 167 with glutamine.
Molecular consequence: missense variant. On other transcripts: 3 prime UTR variant (1).
Genome position (GRCh38, 1-based): chr3:10,149,823, G>A. VCF-style: chr3-10149823-G-A. GRCh37 (hg19) VCF-style: chr3-10191507-G-A.
Other names: NM_000551.4(VHL):c.500G>A; c.*54G>A (NM_001354723.2); c.377G>A, p.Arg126Gln (NM_198156.3); short protein forms R167Q, R126Q.
Identifiers: ClinVar variation 2216 (VCV000002216.82), dbSNP rs5030821, ClinGen allele CA020454.